The following is an entry in ClinVar:

NM_001083962.2(TCF4):c.1294G>C (p.Gly432Arg)

Gene: TCF4 (transcription factor 4; minus strand). Cytogenetic location: 18q21.2.
Variant type: single nucleotide variant.
Coding change: c.1294G>C on transcript NM_001083962.2 (MANE Select); coding-DNA position 1294, G replaced by C.
Protein change: p.Gly432Arg; replaces glycine 432 with arginine.
Molecular consequence: missense variant.
Genome position (GRCh38, 1-based): chr18:55,254,553, C>G on the plus strand (G>C on the coding strand, the complement: TCF4 is on the minus strand). VCF-style: chr18-55254553-C-G. GRCh37 (hg19) VCF-style: chr18-52921784-C-G.
Other names: c.1600G>C, p.Gly534Arg (NM_001243226.3); c.1222G>C, p.Gly408Arg (NM_001243227.2, NM_001306207.1, NM_001348217.1 and 5 more transcripts); c.1312G>C, p.Gly438Arg (NM_001243228.2); c.1285G>C, p.Gly429Arg (NM_001243230.2); c.1168G>C, p.Gly390Arg (NM_001243231.2, NM_001348211.2); c.1081G>C, p.Gly361Arg (NM_001243232.1, NM_001306208.1); c.904G>C, p.Gly302Arg (NM_001243233.2, NM_001330605.3, NM_001348212.2 and 1 more transcripts); c.814G>C, p.Gly272Arg (NM_001243234.2, NM_001243235.2, NM_001243236.2 and 1 more transcripts); and 6 more; short protein forms G271R, G407R, G390R, G429R, G431R, G438R, G216R, G361R.
Identifiers: ClinVar variation 1461343 (VCV001461343.8), dbSNP rs2145499073, ClinGen allele CA402533354.

ClinVar aggregate classification (germline): Uncertain significance (1 of 4 stars; one submission).

Conditions:
Pitt-Hopkins syndrome (PTHS). Also called: ENCEPHALOPATHY, SEVERE EPILEPTIC, WITH AUTONOMIC DYSFUNCTION; MENTAL RETARDATION, SYNDROMAL, WITH INTERMITTENT HYPERVENTILATION. Identifiers: Orphanet 2896, MedGen C1970431, MONDO:0012589, OMIM 610954.

Submission:

Labcorp Genetics (formerly Invitae), Labcorp
Classification: Uncertain significance for Pitt-Hopkins syndrome. Last evaluated: 2023-08-04. Review status: criteria provided, single submitter. Criteria: Invitae Variant Classification Sherloc (09022015). Collection method: clinical testing. Allele origin: germline.
Comment: In summary, the available evidence is currently insufficient to determine the role of this variant in disease. Therefore, it has been classified as a Variant of Uncertain Significance. Advanced modeling of protein sequence and biophysical properties (such as structural, functional, and spatial information, amino acid conservation, physicochemical variation, residue mobility, and thermodynamic stability) performed at Invitae indicates that this missense variant is not expected to disrupt TCF4 protein function. ClinVar contains an entry for this variant (Variation ID: 1461343). This variant has not been reported in the literature in individuals affected with TCF4-related conditions. This variant is not present in population databases (gnomAD no frequency). This sequence change replaces glycine, which is neutral and non-polar, with arginine, which is basic and polar, at codon 432 of the TCF4 protein (p.Gly432Arg).